The following is an entry in ClinVar:

ClinVar aggregate classification (germline): Uncertain significance (1 of 4 stars; one submission).

Submission:

GeneDx
Classification: Uncertain significance. Last evaluated: 2024-11-20. Review status: criteria provided, single submitter. Criteria: GeneDx Variant Classification Process June 2021. Collection method: clinical testing. Allele origin: germline. Affected: yes.
Comment: Not observed at significant frequency in large population cohorts (gnomAD); In silico analysis supports that this missense variant has a deleterious effect on protein structure/function; Has not been previously published as pathogenic or benign to our knowledge

NM_138691.3(TMC1):c.1882A>G (p.Lys628Glu)

Gene: TMC1 (transmembrane channel like 1; plus strand). Cytogenetic location: 9q21.13.
Variant type: single nucleotide variant.
Coding change: c.1882A>G on transcript NM_138691.3 (MANE Select); coding-DNA position 1882, A replaced by G.
Protein change: p.Lys628Glu; replaces lysine 628 with glutamic acid.
Molecular consequence: missense variant.
Genome position (GRCh38, 1-based): chr9:72,820,960, A>G. VCF-style: chr9-72820960-A-G. GRCh37 (hg19) VCF-style: chr9-75435876-A-G.
Other names: short protein forms K628E.
Identifiers: ClinVar variation 3900467 (VCV003900467.1).